The following is an entry in ClinVar:

NM_001164277.2(SLC37A4):c.986-14T>G

Gene: SLC37A4 (solute carrier family 37 member 4; minus strand). Cytogenetic location: 11q23.3.
Variant type: single nucleotide variant.
Coding change: c.986-14T>G on transcript NM_001164277.2 (MANE Select); 14 bases into the intron before coding-DNA position 986, T replaced by G.
Molecular consequence: intron variant.
Genome position (GRCh38, 1-based): chr11:119,025,343, A>C on the plus strand (T>G on the coding strand, the complement: SLC37A4 is on the minus strand). VCF-style: chr11-119025343-A-C. GRCh37 (hg19) VCF-style: chr11-118896053-A-C.
Other names: c.767-14T>G (NM_001164279.2); c.986-14T>G (NM_001467.6, NM_001164280.2); c.1052-14T>G (NM_001164278.2).
Identifiers: ClinVar variation 215183 (VCV000215183.11), dbSNP rs863224211, ClinGen allele CA323471.
Genomic context (GRCh38, chr11:119,025,343, plus strand): 5'-CCATACGAGGAGAAACCAAATACAGCTCCCAATACCAGGATCCAGAGCTGCCAAGGGCAG[A>C]GTGGAGTGGCATTCAGAGTCGGAAAGCCGACCTGCCTACCCACCCCTGCCAAAGCAAGAA-3'

ClinVar aggregate classification (germline): Conflicting classifications of pathogenicity. Review status: criteria provided, conflicting classifications (1 of 4 stars). 3 submissions from 3 submitters: Uncertain significance (1); Likely benign (1). 1 of the submissions does not count toward it. Last evaluated 2022-07-25.

Conditions:
Glucose-6-phosphate transport defect (GSD1B). Also called: Glycogen Storage Disease Type Ib; GSD Ib. Identifiers: Orphanet 364, Orphanet 79259, MedGen C0268146, MONDO:0009288, OMIM 232220.

Allele frequency attached by ClinVar (database versions not stated): gnomAD exomes below 0.00001.

Submissions (3):

Labcorp Genetics (formerly Invitae), Labcorp
Classification: Likely benign for Glucose-6-phosphate transport defect. Last evaluated: 2022-07-25. Review status: criteria provided, single submitter. Criteria: Invitae Variant Classification Sherloc (09022015). Collection method: clinical testing. Allele origin: germline.

GeneDx
Classification: Uncertain significance. Last evaluated: 2015-01-14. Review status: criteria provided, single submitter. Criteria: GeneDx Variant Classification (06012015). Collection method: clinical testing. Allele origin: germline. Affected: yes.
Comment: c.985-14 T>G: IVS8-14 T>G in intron 8 of the SLC37A4 gene (NM_001164277.1) The c.985-14 T>G variant has not been published as a mutation, nor has it been reported as a benign polymorphism to our knowledge. Several in-silico splice prediction models predict that c.985-14 T>G damages the natural splice acceptor site in intron 8 and may lead to abnormal gene splicing. However, in the absence of RNA/functional studies, the actual effect of this sequence change is unknown. Therefore, based on the currently available information, it is unclear whether this variant is a pathogenic mutation or a rare benign variant. The variant is found in MITONUC-MITOP panel(s).

Counsyl
Classification: Uncertain significance for Glucose-6-phosphate transport defect. Last evaluated: 2017-07-31. Review status: no assertion criteria provided. Collection method: clinical testing. Allele origin: unknown. Not counted in ClinVar's aggregate classification.